The following is an entry in ClinVar:

ClinVar aggregate classification (germline): Uncertain significance (1 of 4 stars; one submission).

Conditions:
Arrhythmogenic right ventricular cardiomyopathy (ARVD). Also called: Arrhythmogenic right ventricular dysplasia; Cardiomyopathy, ARVC; Arrhythmogenic cardiomyopathy; Arrhythmogenic Right Ventricular Cardiomyopathy (ARVC). Identifiers: Orphanet 247, MedGen C0349788, MeSH D019571, MONDO:0016587. Disease mechanism: loss of function. Inheritance: Various modes of inheritance.

Submission:

All of Us Research Program, National Institutes of Health
Classification: Uncertain significance for Arrhythmogenic right ventricular cardiomyopathy. Last evaluated: 2023-08-23. Review status: criteria provided, single submitter. Criteria: ACMG Guidelines, 2015. Collection method: clinical testing. Allele origin: germline. Inheritance: Autosomal dominant inheritance. Observed: 1 variant allele, 1 heterozygote.
Comment: This missense variant replaces glutamine with histidine at codon 731 of the DSG2 protein. Computational prediction suggests that this variant may not impact protein structure and function (internally defined REVEL score threshold <= 0.5, PMID: 27666373). To our knowledge, functional studies have not been reported for this variant. This variant has not been reported in individuals affected with DSG2-related disorders in the literature. This variant has not been identified in the general population by the Genome Aggregation Database (gnomAD). The available evidence is insufficient to determine the role of this variant in disease conclusively. Therefore, this variant is classified as a Variant of Uncertain Significance.

This study involves interpretation of variants in research participants for the purpose of population health screening. Participant phenotype was not available at the time of variant classification. Additional details can be found in publication PMID: 35346344, PMCID: PMC8962531

NM_001943.5(DSG2):c.2193G>C (p.Gln731His)

Genes: DSG2 (desmoglein 2; plus strand), DSG2-AS1 (DSG2 antisense RNA 1; minus strand). Cytogenetic location: 18q12.1.
Variant type: single nucleotide variant.
Coding change: c.2193G>C on transcript NM_001943.5 (MANE Select); coding-DNA position 2193, G replaced by C.
Protein change: p.Gln731His; replaces glutamine 731 with histidine.
Molecular consequence: missense variant.
Genome position (GRCh38, 1-based): chr18:31,542,711, G>C. VCF-style: chr18-31542711-G-C. GRCh37 (hg19) VCF-style: chr18-29122674-G-C.
Other names: short protein forms Q731H.
Identifiers: ClinVar variation 3073103 (VCV003073103.1), dbSNP rs2510920754, ClinGen allele CA402142443.